The following is an entry in ClinVar:

NM_002334.4(LRP4):c.299C>T (p.Ser100Leu)

Gene: LRP4 (LDL receptor related protein 4; minus strand). Cytogenetic location: 11p11.2.
Variant type: single nucleotide variant.
Coding change: c.299C>T on transcript NM_002334.4 (MANE Select); coding-DNA position 299, C replaced by T.
Protein change: p.Ser100Leu; replaces serine 100 with leucine.
Molecular consequence: missense variant.
Genome position (GRCh38, 1-based): chr11:46,900,279, G>A on the plus strand (C>T on the coding strand, the complement: LRP4 is on the minus strand). VCF-style: chr11-46900279-G-A. GRCh37 (hg19) VCF-style: chr11-46921830-G-A.
Other names: short protein forms S100L.
Identifiers: ClinVar variation 467785 (VCV000467785.11), dbSNP rs762837686, ClinGen allele CA5970556.
Genomic context (GRCh38, chr11:46,900,279, plus strand): 5'-GTGGAACTCAATGGAGTTCCGCCCAGCCTCTGCCAACACTCACGACAGTCCTGCTCATCC[G>A]AGTCATCCTCACAGTCGTTGTCCCCGTCACACACCCAGGAGCGGCGGATGCACTTGCCAT-3'
Protein context (NP_002325.2, residues 90-110): CDGDNDCEDD[Ser100Leu]DEQDCPPREC

ClinVar aggregate classification (germline): Uncertain significance. Review status: criteria provided, multiple submitters, no conflicts (2 of 4 stars). 3 submissions from 3 submitters: Uncertain significance (3). Last evaluated 2025-09-02.

Conditions:
Inborn genetic diseases. Identifiers: MedGen C0950123, MeSH D030342.
Cenani-Lenz syndactyly syndrome. Also called: SYNDACTYLY, TYPE VII; CENANI SYNDACTYLISM. Identifiers: Orphanet 3258, MedGen C1859309, MONDO:0008931, OMIM 212780.
Sclerosteosis 2 (SOST2). Identifiers: Orphanet 3152, MedGen C3280402, MONDO:0013679, OMIM 614305.
Congenital myasthenic syndrome 17. Identifiers: Orphanet 590, MedGen C4225377, MONDO:0014578, OMIM 616304.

Allele frequency attached by ClinVar (database versions not stated): TOPMed 0.00004; gnomAD 0.00005; ExAC 0.00001; gnomAD exomes 0.00002.

Submissions (3):

Labcorp Genetics (formerly Invitae), Labcorp
Classification: Uncertain significance for Cenani-Lenz syndactyly syndrome; Sclerosteosis 2; Congenital myasthenic syndrome 17. Last evaluated: 2025-09-02. Review status: criteria provided, single submitter. Criteria: Invitae Variant Classification Sherloc (09022015). Collection method: clinical testing. Allele origin: germline.
Comment: This sequence change replaces serine, which is neutral and polar, with leucine, which is neutral and non-polar, at codon 100 of the LRP4 protein (p.Ser100Leu). This variant is present in population databases (rs762837686, gnomAD 0.004%). This variant has not been reported in the literature in individuals affected with LRP4-related conditions. ClinVar contains an entry for this variant (Variation ID: 467785). An algorithm developed to predict the effect of missense changes on protein structure and function (PolyPhen-2) suggests that this variant is likely to be disruptive. In summary, the available evidence is currently insufficient to determine the role of this variant in disease. Therefore, it has been classified as a Variant of Uncertain Significance.

Ambry Genetics
Classification: Uncertain significance for Inborn genetic diseases. Last evaluated: 2022-09-26. Review status: criteria provided, single submitter. Criteria: Ambry Variant Classification Scheme 2023. Collection method: clinical testing. Allele origin: germline.

Fulgent Genetics
Classification: Uncertain significance for Cenani-Lenz syndactyly syndrome; Sclerosteosis 2; Congenital myasthenic syndrome 17. Last evaluated: 2021-07-21. Review status: criteria provided, single submitter. Criteria: ACMG Guidelines, 2015. Collection method: clinical testing. Allele origin: unknown.